The following is an entry in ClinVar:

ClinVar aggregate classification (germline): Uncertain significance (1 of 4 stars; one submission).

Submission:

GeneDx
Classification: Uncertain significance. Last evaluated: 2024-11-25. Review status: criteria provided, single submitter. Criteria: GeneDx Variant Classification Process June 2021. Collection method: clinical testing. Allele origin: germline. Affected: yes.
Comment: Not observed at significant frequency in large population cohorts (gnomAD); In silico analysis supports that this missense variant has a deleterious effect on protein structure/function; Has not been previously published as pathogenic or benign to our knowledge

NM_000719.7(CACNA1C):c.523T>G (p.Phe175Val)

Gene: CACNA1C (calcium voltage-gated channel subunit alpha1 C; plus strand). Cytogenetic location: 12p13.33.
Variant type: single nucleotide variant.
Coding change: c.523T>G on transcript NM_000719.7 (MANE Select); coding-DNA position 523, T replaced by G.
Protein change: p.Phe175Val; replaces phenylalanine 175 with valine.
Molecular consequence: missense variant.
Genome position (GRCh38, 1-based): chr12:2,449,021, T>G. VCF-style: chr12-2449021-T-G. GRCh37 (hg19) VCF-style: chr12-2558187-T-G.
Other names: c.523T>G, p.Phe175Val (NM_001129827.2, NM_001129829.2, NM_001129830.3 and 19 more transcripts); short protein forms F175V.
Identifiers: ClinVar variation 3371214 (VCV003371214.2).